The following is an entry in ClinVar:

ClinVar aggregate classification (germline): Uncertain significance (1 of 4 stars; one submission).

Allele frequency attached by ClinVar (database versions not stated): gnomAD exomes below 0.00001.
gnomAD v4.1: 2 of 1,613,784 alleles (0.00012%); highest among the groups gnomAD compares: African/African-American, 0.0013%; no homozygotes.

Submission:

Labcorp Genetics (formerly Invitae), Labcorp
Classification: Uncertain significance. Last evaluated: 2023-02-27. Review status: criteria provided, single submitter. Criteria: Invitae Variant Classification Sherloc (09022015). Collection method: clinical testing. Allele origin: germline.
Comment: This sequence change replaces cysteine, which is neutral and slightly polar, with arginine, which is basic and polar, at codon 1545 of the SRCAP protein (p.Cys1545Arg). This variant is present in population databases (no rsID available, gnomAD 0.007%). This variant has not been reported in the literature in individuals affected with SRCAP-related conditions. ClinVar contains an entry for this variant (Variation ID: 1465692). Advanced modeling of protein sequence and biophysical properties (such as structural, functional, and spatial information, amino acid conservation, physicochemical variation, residue mobility, and thermodynamic stability) performed at Invitae indicates that this missense variant is not expected to disrupt SRCAP protein function. In summary, the available evidence is currently insufficient to determine the role of this variant in disease. Therefore, it has been classified as a Variant of Uncertain Significance.

NM_006662.3(SRCAP):c.4633T>C (p.Cys1545Arg)

Gene: SRCAP (Snf2 related CREBBP activator protein; plus strand). Cytogenetic location: 16p11.2.
Variant type: single nucleotide variant.
Coding change: c.4633T>C on transcript NM_006662.3 (MANE Select); coding-DNA position 4633, T replaced by C.
Protein change: p.Cys1545Arg; replaces cysteine 1545 with arginine.
Molecular consequence: missense variant.
Genome position (GRCh38, 1-based): chr16:30,724,057, T>C. VCF-style: chr16-30724057-T-C. GRCh37 (hg19) VCF-style: chr16-30735378-T-C.
Other names: short protein forms C1545R.
Identifiers: ClinVar variation 1465692 (VCV001465692.8), dbSNP rs1391703841, ClinGen allele CA395616347.
Genomic context (GRCh38, chr16:30,724,057, plus strand): 5'-CTGTTGTTGGCTCCCACCTCTTCACATGTTCCAGGGTTGAACTCAACCGTGGCCCCAGCA[T>C]GCTCACCTGTCCTGGTGCCAGCTTCGGCTCTGGCCAGTCCTTTTCCGTCAGCACCAAATC-3'
Protein context (NP_006653.2, residues 1535-1555): PGLNSTVAPA[Cys1545Arg]SPVLVPASAL